The following is an entry in ClinVar:

ClinVar aggregate classification (germline): Uncertain significance. Review status: criteria provided, multiple submitters, no conflicts (2 of 4 stars). 3 submissions from 3 submitters: Uncertain significance (2). 1 of the submissions does not count toward it. Last evaluated 2025-09-10.

Conditions:
Duchenne muscular dystrophy (DMD). Also called: MUSCULAR DYSTROPHY, PSEUDOHYPERTROPHIC PROGRESSIVE, DUCHENNE TYPE; Duchenne Muscular Dystrophy (DMD). Identifiers: Orphanet 98896, MedGen C0013264, MONDO:0010679, OMIM 310200.
EMG: myopathic abnormalities. Identifiers: MedGen C4021726, HP:0003458.
Shoulder girdle muscle weakness. Identifiers: HP:0003695, MedGen C0427063.
Becker muscular dystrophy (BMD). Also called: MUSCULAR DYSTROPHY, PSEUDOHYPERTROPHIC PROGRESSIVE, BECKER TYPE; Becker Muscular Dystrophy (BMD). Identifiers: Orphanet 98895, MedGen C0917713, MONDO:0010311, OMIM 300376.
Cardiomyopathy (CMYO). Also called: Cardiomyopathies. Identifiers: Orphanet 167848, MedGen C0878544, MONDO:0004994, HP:0001638. Inheritance: Various modes of inheritance.
Dystrophin deficiency.

gnomAD v4.1: 1 of 1,211,015 alleles (0.000083%); highest among the groups gnomAD compares: Admixed American, 0.0022%; no homozygotes.

Submissions (3):

Labcorp Genetics (formerly Invitae), Labcorp
Classification: Uncertain significance for Duchenne muscular dystrophy. Last evaluated: 2025-09-10. Review status: criteria provided, single submitter. Criteria: Invitae Variant Classification Sherloc (09022015). Collection method: clinical testing. Allele origin: germline.
Comment: This sequence change replaces arginine, which is basic and polar, with serine, which is neutral and polar, at codon 1735 of the DMD protein (p.Arg1735Ser). This variant is present in population databases (no rsID available, gnomAD 0.004%). This variant has not been reported in the literature in individuals affected with DMD-related conditions. ClinVar contains an entry for this variant (Variation ID: 373999). Invitae Evidence Modeling of protein sequence and biophysical properties (such as structural, functional, and spatial information, amino acid conservation, physicochemical variation, residue mobility, and thermodynamic stability) indicates that this missense variant is not expected to disrupt DMD protein function with a negative predictive value of 95%. In summary, the available evidence is currently insufficient to determine the role of this variant in disease. Therefore, it has been classified as a Variant of Uncertain Significance.

Centre for Mendelian Genomics, University Medical Centre Ljubljana
Classification: Uncertain significance for EMG: myopathic abnormalities; Shoulder girdle muscle weakness. Last evaluated: 2014-11-14. Review status: criteria provided, single submitter. Criteria: ACMG Guidelines, 2015. Collection method: clinical testing. Allele origin: unknown. Affected: yes.

Natera, Inc.
Classification: Uncertain significance for Becker muscular dystrophy; Cardiomyopathy; Duchenne muscular dystrophy; Dystrophin deficiency. Last evaluated: 2018-11-04. Review status: no assertion criteria provided. Collection method: clinical testing. Allele origin: germline. Not counted in ClinVar's aggregate classification.

NM_004006.3(DMD):c.5203C>A (p.Arg1735Ser)

Gene: DMD (dystrophin; minus strand). Cytogenetic location: Xp21.1.
Variant type: single nucleotide variant.
Coding change: c.5203C>A on transcript NM_004006.3 (MANE Select); coding-DNA position 5203, C replaced by A.
Protein change: p.Arg1735Ser; replaces arginine 1735 with serine.
Molecular consequence: missense variant.
Genome position (GRCh38, 1-based): chrX:32,362,910, G>T on the plus strand (C>A on the coding strand, the complement: DMD is on the minus strand). VCF-style: chrX-32362910-G-T. GRCh37 (hg19) VCF-style: chrX-32381027-G-T.
Other names: c.5179C>A, p.Arg1727Ser (NM_000109.4); c.5191C>A, p.Arg1731Ser (NM_004009.3); c.4834C>A, p.Arg1612Ser (NM_004010.3); c.1180C>A, p.Arg394Ser (NM_004011.4); c.1171C>A, p.Arg391Ser (NM_004012.4); short protein forms R1735S, R1612S, R1731S, R391S, R1727S, R394S.
Identifiers: ClinVar variation 373999 (VCV000373999.13), dbSNP rs147904018, ClinGen allele CA16043589.